The following is an entry in ClinVar:

NM_001379500.1(COL18A1):c.107-12246G>T

Gene: COL18A1 (collagen type XVIII alpha 1 chain; plus strand). Cytogenetic location: 21q22.3.
Variant type: single nucleotide variant.
Coding change: c.107-12246G>T on transcript NM_001379500.1 (MANE Select); 12246 bases into the intron before coding-DNA position 107, G replaced by T.
Molecular consequence: intron variant. On other transcripts: missense variant (2).
Genome position (GRCh38, 1-based): chr21:45,455,996, G>T. VCF-style: chr21-45455996-G-T. GRCh37 (hg19) VCF-style: chr21-46875910-G-T.
Other names: c.466G>T, p.Gly156Trp (NM_030582.4, NM_130444.3); short protein forms G156W.
Identifiers: ClinVar variation 2117403 (VCV002117403.4), dbSNP rs2517513362, ClinGen allele CA410506175.
Genomic context (GRCh38, chr21:45,455,996, plus strand): 5'-AGCTTGGCCAGGGCGGAAACCCTGGTCCTGGAGACTCCTGTGGGCCCCCTTGCCCTCGCT[G>T]GGCCTTCCAGCACCCCCCAGGAGAATGGGACCACTCTCTGGCCCAGCCGTGGCATTCCTA-3'

ClinVar aggregate classification (germline): Uncertain significance (1 of 4 stars; one submission).

Submission:

Labcorp Genetics (formerly Invitae), Labcorp
Classification: Uncertain significance. Last evaluated: 2022-03-26. Review status: criteria provided, single submitter. Criteria: Invitae Variant Classification Sherloc (09022015). Collection method: clinical testing. Allele origin: germline.
Comment: In summary, the available evidence is currently insufficient to determine the role of this variant in disease. Therefore, it has been classified as a Variant of Uncertain Significance. Experimental studies and prediction algorithms are not available or were not evaluated, and the functional significance of this variant is currently unknown. This variant has not been reported in the literature in individuals affected with COL18A1-related conditions. This variant is not present in population databases (gnomAD no frequency). This sequence change replaces glycine, which is neutral and non-polar, with tryptophan, which is neutral and slightly polar, at codon 156 of the COL18A1 protein (p.Gly156Trp). The COL18A1 gene has multiple clinically relevant transcripts. This variant occurs in alternate transcript NM_030582.3, and corresponds to NM_130445.3:c.107-12246G>T in the primary transcript.